The following is an entry in ClinVar:

NM_015378.4(VPS13D):c.1411C>A (p.Leu471Met)

Gene: VPS13D (vacuolar protein sorting 13 homolog D; plus strand). Cytogenetic location: 1p36.22.
Variant type: single nucleotide variant.
Coding change: c.1411C>A on transcript NM_015378.4 (MANE Select); coding-DNA position 1411, C replaced by A.
Protein change: p.Leu471Met; replaces leucine 471 with methionine.
Molecular consequence: missense variant.
Genome position (GRCh38, 1-based): chr1:12,261,146, C>A. VCF-style: chr1-12261146-C-A. GRCh37 (hg19) VCF-style: chr1-12321203-C-A.
Other names: c.1411C>A, p.Leu471Met (NM_018156.4); c.1411C>A (NM_015378.3); short protein forms L471M.
Identifiers: ClinVar variation 2396170 (VCV002396170.5), dbSNP rs560568347, ClinGen allele CA601503.
Genomic context (GRCh38, chr1:12,261,146, plus strand): 5'-GGGAATGTGGTTGAGGGACTGTCAGCAGAGCAACAGGAGCAGTGGATTCCTGAAGAGATC[C>A]TGGGTACGGTGGGAGCTGGCCTTCACTTGATTCAAACAAATTCGTCTGTTATTTGTGCAA-3'
Protein context (NP_056193.2, residues 461-481): QQEQWIPEEI[Leu471Met]GTEEFFDPTA

ClinVar aggregate classification (germline): Uncertain significance. Review status: criteria provided, multiple submitters, no conflicts (2 of 4 stars). 2 submissions from 2 submitters: Uncertain significance (2). Last evaluated 2024-10-10.

Conditions:
Inborn genetic diseases. Identifiers: MedGen C0950123, MeSH D030342.
VPS13D-related disorder. Also called: VPS13D-related condition.

Allele frequency attached by ClinVar (database versions not stated): TOPMed below 0.00001; gnomAD 0.00003; ExAC 0.00011; 1000 Genomes Project 0.00020; 1000 Genomes Project 30x 0.00031.
gnomAD v4.1: 83 of 1,614,142 alleles (0.0051%); highest among the groups gnomAD compares: East Asian, 0.18%; no homozygotes.

Submissions (2):

PreventionGenetics, part of Exact Sciences
Classification: Uncertain significance for VPS13D-related condition. Last evaluated: 2024-10-10. Review status: criteria provided, single submitter. Criteria: ACMG Guidelines, 2015. Collection method: clinical testing. Allele origin: germline.
Comment: The VPS13D c.1411C>A variant is predicted to result in the amino acid substitution p.Leu471Met. To our knowledge, this variant has not been reported in the literature. This variant is reported in 0.076% of alleles in individuals of East Asian descent in gnomAD. At this time, the clinical significance of this variant is uncertain due to the absence of conclusive functional and genetic evidence.

Ambry Genetics
Classification: Uncertain significance for Inborn genetic diseases. Last evaluated: 2022-07-27. Review status: criteria provided, single submitter. Criteria: Ambry Variant Classification Scheme 2023. Collection method: clinical testing. Allele origin: germline.